The following is an entry in ClinVar:

NM_001267550.2(TTN):c.49570C>T (p.Arg16524Cys)

Genes: TTN (titin; minus strand), TTN-AS1 (TTN antisense RNA 1; plus strand). Cytogenetic location: 2q31.2.
Variant type: single nucleotide variant.
Coding change: c.49570C>T on transcript NM_001267550.2 (MANE Select); coding-DNA position 49570, C replaced by T.
Protein change: p.Arg16524Cys; replaces arginine 16524 with cysteine.
Molecular consequence: missense variant.
Genome position (GRCh38, 1-based): chr2:178,613,239, G>A on the plus strand (C>T on the coding strand, the complement: TTN is on the minus strand). VCF-style: chr2-178613239-G-A. GRCh37 (hg19) VCF-style: chr2-179477966-G-A.
Other names: c.44647C>T, p.Arg14883Cys (NM_001256850.1); c.22375C>T, p.Arg7459Cys (NM_003319.4); c.41866C>T, p.Arg13956Cys (NM_133378.4); c.22750C>T, p.Arg7584Cys (NM_133432.3); c.22951C>T, p.Arg7651Cys (NM_133437.4); short protein forms R13956C, R14883C, R16524C, R7459C, R7584C, R7651C.
Identifiers: ClinVar variation 1284809 (VCV001284809.46), dbSNP rs779336886, ClinGen allele CA1994566.

ClinVar aggregate classification (germline): Conflicting classifications of pathogenicity. Review status: criteria provided, conflicting classifications (1 of 4 stars). 8 submissions from 8 submitters: Uncertain significance (4); Likely benign (1). 3 of the submissions do not count toward it. Last evaluated 2025-11-19.

Conditions:
TTN-related disorder. Also called: TTN-related disorders; TTN-related condition; TTN-related disease.
Limb-girdle muscular dystrophy (LGMD). Also called: Muscular Dystrophies, Limb-Girdle. Identifiers: Orphanet 263, MedGen C0686353, MeSH D049288, MONDO:0016971, HP:0006785.
Cardiovascular phenotype. Identifiers: MedGen CN230736.

Allele frequency attached by ClinVar (database versions not stated): gnomAD exomes 0.00002.
gnomAD v4.1: 23 of 1,611,198 alleles (0.0014%); highest among the groups gnomAD compares: South Asian, 0.0077%; no homozygotes.

Submissions (8):

PreventionGenetics, part of Exact Sciences
Classification: Uncertain significance for TTN-related condition. Last evaluated: 2025-11-19. Review status: criteria provided, single submitter. Criteria: ACMG Guidelines, 2015. Collection method: clinical testing. Allele origin: germline.
Comment: The TTN c.49570C>T variant is predicted to result in the amino acid substitution p.Arg16524Cys. This variant has been reported in a cohort study of individuals with inherited skeletal muscle disease; however, detailed clinical information was not available (Savarese et al. 2020. PubMed ID: 32039858). This variant is reported in 0.0066% of alleles in individuals of South Asian descent in gnomAD. At this time, the clinical significance of this variant is uncertain due to the absence of conclusive functional and genetic evidence.

CeGaT Center for Human Genetics Tuebingen
Classification: Uncertain significance. Last evaluated: 2021-10-01. Review status: criteria provided, single submitter. Criteria: CeGaT Center For Human Genetics Tuebingen Variant Classification Criteria Version 2. Collection method: clinical testing. Allele origin: germline. Affected: yes. Observed: 1 variant allele.

Ambry Genetics
Classification: Likely benign for Cardiovascular phenotype. Last evaluated: 2020-04-27. Review status: criteria provided, single submitter. Criteria: Ambry Variant Classification Scheme 2023. Collection method: clinical testing. Allele origin: germline.

Cambridge Genomics Laboratory, East Genomic Laboratory Hub, NHS Genomic Medicine Service
Classification: Uncertain significance for Limb-girdle muscular dystrophy. Last evaluated: 2019-09-03. Review status: criteria provided, single submitter. Criteria: ACGS Best Practice Guidelines for Variant Classification in Rare Disease 2020. Collection method: clinical testing. Allele origin: germline. Affected: yes. Observed: 1 variant allele.

Revvity Omics, Revvity
Classification: Uncertain significance. Last evaluated: 2019-05-10. Review status: criteria provided, single submitter. Criteria: ACMG Guidelines, 2015. Collection method: clinical testing. Allele origin: germline.

Clinical Genetics, Academic Medical Center
Classification: Uncertain significance. Review status: no assertion criteria provided. Collection method: clinical testing. Allele origin: germline. Affected: yes. Study: VKGL Data-share Consensus. Not counted in ClinVar's aggregate classification.

Genome Diagnostics Laboratory, University Medical Center Utrecht
Classification: Uncertain significance. Review status: no assertion criteria provided. Collection method: clinical testing. Allele origin: germline. Affected: yes. Study: VKGL Data-share Consensus. Not counted in ClinVar's aggregate classification.

Joint Genome Diagnostic Labs from Nijmegen and Maastricht, Radboudumc and MUMC+
Classification: Uncertain significance. Review status: no assertion criteria provided. Collection method: clinical testing. Allele origin: germline. Affected: yes. Study: VKGL Data-share Consensus. Not counted in ClinVar's aggregate classification.